The following is an entry in ClinVar:

ClinVar aggregate classification (germline): Benign (1 of 4 stars; one submission).

Conditions:
Congenital disorder of glycosylation, type 2v. Identifiers: Orphanet 695783, MedGen C5561971, MONDO:0030423, OMIM 619493.

Allele frequency attached by ClinVar (database versions not stated): 1000 Genomes Project 0.00399; 1000 Genomes Project 30x 0.00406; TOPMed 0.01019; gnomAD 0.01158; ExAC 0.01165; ESP Exome Variant Server 0.01184; gnomAD exomes 0.01663.
gnomAD v4.1: 25,833 of 1,611,476 alleles (1.6%); highest among the groups gnomAD compares: Non-Finnish European, 1.9%; 255 homozygotes.

Submission:

Molecular Genetics, Royal Melbourne Hospital
Classification: Benign for Congenital disorder of glycosylation, type 2v. Last evaluated: 2023-05-04. Review status: criteria provided, single submitter. Criteria: ACMG Guidelines, 2015. Collection method: clinical testing. Allele origin: germline. Affected: yes.
Comment: European Non-Finnish population allele frequency is 1.620% (rs78444298, 2196/127710 alleles, 30 homozygotes in gnomAD v2.1). Based on the classification scheme RMH Modified ACMG/AMP Guidelines v1.5.1, this variant is classified as BENIGN. Following criteria are met: BA1

NM_025191.4(EDEM3):c.2236C>T (p.Pro746Ser)

Gene: EDEM3 (ER degradation enhancing alpha-mannosidase like protein 3; minus strand). Cytogenetic location: 1q25.3.
Variant type: single nucleotide variant.
Coding change: c.2236C>T on transcript NM_025191.4 (MANE Select); coding-DNA position 2236, C replaced by T.
Protein change: p.Pro746Ser; replaces proline 746 with serine.
Molecular consequence: missense variant. On other transcripts: non-coding transcript variant (1).
Genome position (GRCh38, 1-based): chr1:184,702,964, G>A on the plus strand (C>T on the coding strand, the complement: EDEM3 is on the minus strand). VCF-style: chr1-184702964-G-A. GRCh37 (hg19) VCF-style: chr1-184672098-G-A.
Other names: c.2236C>T, p.Pro746Ser (NM_001319960.2); short protein forms P746S.
Identifiers: ClinVar variation 3068615 (VCV003068615.1), dbSNP rs78444298, ClinGen allele CA1287137.